The following is an entry in ClinVar:

NM_021098.3(CACNA1H):c.2933T>C (p.Val978Ala)

Gene: CACNA1H (calcium voltage-gated channel subunit alpha1 H; plus strand). Cytogenetic location: 16p13.3.
Variant type: single nucleotide variant.
Coding change: c.2933T>C on transcript NM_021098.3 (MANE Select); coding-DNA position 2933, T replaced by C.
Protein change: p.Val978Ala; replaces valine 978 with alanine.
Molecular consequence: missense variant.
Genome position (GRCh38, 1-based): chr16:1,207,300, T>C. VCF-style: chr16-1207300-T-C. GRCh37 (hg19) VCF-style: chr16-1257300-T-C.
Other names: c.2933T>C, p.Val978Ala (NM_001005407.2); short protein forms V978A.
Identifiers: ClinVar variation 948289 (VCV000948289.11), dbSNP rs776860363, ClinGen allele CA7800519.
Genomic context (GRCh38, chr16:1,207,300, plus strand): 5'-GGGGTGACCACCCCAGGCCCCCTGCTATCCCCCAGATCCTGACCCAGGAGGACTGGAACG[T>C]GGTCCTGTACAACGGCATGGCCTCCACCTCCTCCTGGGCCGCCCTCTACTTCGTGGCCCT-3'
Protein context (NP_066921.2, residues 968-988): FQILTQEDWN[Val978Ala]VLYNGMASTS

ClinVar aggregate classification (germline): Uncertain significance. Review status: criteria provided, multiple submitters, no conflicts (2 of 4 stars). 3 submissions from 3 submitters: Uncertain significance (3). Last evaluated 2024-04-10.

Conditions:
Idiopathic generalized epilepsy. Also called: Generalised epilepsy; EIG. Identifiers: MedGen C0270850, MONDO:0005579, OMIM 600669.
Hyperaldosteronism, familial, type IV (HALD4). Also called: FH IV; ALDOSTERONISM, PRIMARY, AND HYPERTENSION. Identifiers: Orphanet 642671, MedGen C4310756, MONDO:0014875, OMIM 617027.
Epilepsy, childhood absence, susceptibility to, 6. Identifiers: Orphanet 64280, MedGen C2749872, MONDO:0012763, OMIM 611942.
Inborn genetic diseases. Identifiers: MedGen C0950123, MeSH D030342.

Allele frequency attached by ClinVar (database versions not stated): gnomAD 0.00001 and 0.00002; gnomAD exomes 0.00001 and 0.00002; ExAC 0.00002; TOPMed 0.00003.
gnomAD v4.1: 8 of 1,610,146 alleles (0.0005%); highest among the groups gnomAD compares: Admixed American, 0.012%; no homozygotes.

Submissions (3):

Labcorp Genetics (formerly Invitae), Labcorp
Classification: Uncertain significance for Idiopathic generalized epilepsy; Hyperaldosteronism, familial, type IV. Last evaluated: 2024-04-10. Review status: criteria provided, single submitter. Criteria: Invitae Variant Classification Sherloc (09022015). Collection method: clinical testing. Allele origin: germline.
Comment: This sequence change replaces valine, which is neutral and non-polar, with alanine, which is neutral and non-polar, at codon 978 of the CACNA1H protein (p.Val978Ala). This variant is present in population databases (rs776860363, gnomAD 0.02%). This variant has not been reported in the literature in individuals affected with CACNA1H-related conditions. ClinVar contains an entry for this variant (Variation ID: 948289). Advanced modeling of protein sequence and biophysical properties (such as structural, functional, and spatial information, amino acid conservation, physicochemical variation, residue mobility, and thermodynamic stability) performed at Invitae indicates that this missense variant is not expected to disrupt CACNA1H protein function with a negative predictive value of 80%. In summary, the available evidence is currently insufficient to determine the role of this variant in disease. Therefore, it has been classified as a Variant of Uncertain Significance.

Ambry Genetics
Classification: Uncertain significance for Inborn genetic diseases. Last evaluated: 2023-12-19. Review status: criteria provided, single submitter. Criteria: Ambry Variant Classification Scheme 2023. Collection method: clinical testing. Allele origin: germline.

Fulgent Genetics
Classification: Uncertain significance for Epilepsy, childhood absence, susceptibility to, 6; Hyperaldosteronism, familial, type IV. Last evaluated: 2021-07-19. Review status: criteria provided, single submitter. Criteria: ACMG Guidelines, 2015. Collection method: clinical testing. Allele origin: unknown.